The following is an entry in ClinVar:

ClinVar aggregate classification (germline): Likely benign. Review status: criteria provided, multiple submitters, no conflicts (2 of 4 stars). 2 submissions from 2 submitters: Likely benign (2). Last evaluated 2024-03-26.

Conditions:
Developmental and epileptic encephalopathy, 31A. Also called: Epileptic encephalopathy, early infantile, 31; Developmental and epileptic encephalopathy, 31. Identifiers: Orphanet 2382, MedGen C4225357, MONDO:0014598, OMIM 616346.

Allele frequency attached by ClinVar (database versions not stated): ExAC 0.00001; gnomAD 0.00001; gnomAD exomes 0.00001 and 0.00005; TOPMed 0.00002.
gnomAD v4.1: 77 of 1,612,958 alleles (0.0048%); highest among the groups gnomAD compares: Non-Finnish European, 0.0065%; no homozygotes.

Submissions (2):

Labcorp Genetics (formerly Invitae), Labcorp
Classification: Likely benign for Developmental and epileptic encephalopathy, 31A. Last evaluated: 2024-03-26. Review status: criteria provided, single submitter. Criteria: Invitae Variant Classification Sherloc (09022015). Collection method: clinical testing. Allele origin: germline.

GeneDx
Classification: Likely benign. Last evaluated: 2017-11-15. Review status: criteria provided, single submitter. Criteria: GeneDx Variant Classification (06012015). Collection method: clinical testing. Allele origin: germline. Affected: yes.
Comment: This variant is considered likely benign or benign based on one or more of the following criteria: it is a conservative change, it occurs at a poorly conserved position in the protein, it is predicted to be benign by multiple in silico algorithms, and/or has population frequency not consistent with disease.

NM_004408.4(DNM1):c.386-17C>T

Genes: DNM1 (dynamin 1; plus strand), LOC113839516 (Sharpr-MPRA regulatory region 8497; plus strand). Cytogenetic location: 9q34.11.
Variant type: single nucleotide variant.
Coding change: c.386-17C>T on transcript NM_004408.4 (MANE Select); 17 bases into the intron before coding-DNA position 386, C replaced by T.
Molecular consequence: intron variant.
Genome position (GRCh38, 1-based): chr9:128,219,032, C>T. VCF-style: chr9-128219032-C-T. GRCh37 (hg19) VCF-style: chr9-130981311-C-T.
Other names: c.386-17C>T (NM_001005336.3, NM_001288738.2, NM_001288737.2 and 1 more transcripts).
Identifiers: ClinVar variation 513454 (VCV000513454.4), dbSNP rs766023182, ClinGen allele CA5257804.